The following is an entry in ClinVar:

ClinVar aggregate classification (germline): Uncertain significance (1 of 4 stars; one submission).

Conditions:
Hawkinsinuria. Identifiers: Orphanet 2118, MedGen C2931042, MONDO:0007700, OMIM 140350, HP:0034457.
Tyrosinemia type III. Also called: Tyrosinemia type 3; 4-alpha hydroxyphenylpyruvic acid oxidase deficiency; 4-alpha hydroxyphenylpyruvate dioxygenase deficiency; 4-Hydroxyphenylpyruvate dioxygenase deficiency; 4-HYDROXYPHENYLPYRUVIC ACID OXIDASE DEFICIENCY. Identifiers: Orphanet 69723, MedGen C0268623, MONDO:0010162, OMIM 276710.

Allele frequency attached by ClinVar (database versions not stated): gnomAD exomes below 0.00001; ExAC 0.00001; gnomAD 0.00001; 1000 Genomes Project 0.00020; 1000 Genomes Project 30x 0.00031.
gnomAD v4.1: 2 of 1,614,182 alleles (0.00012%); highest among the groups gnomAD compares: African/African-American, 0.0013%; no homozygotes.

Submission:

Labcorp Genetics (formerly Invitae), Labcorp
Classification: Uncertain significance for Tyrosinemia type III; Hawkinsinuria. Last evaluated: 2021-04-24. Review status: criteria provided, single submitter. Criteria: Invitae Variant Classification Sherloc (09022015). Collection method: clinical testing. Allele origin: germline.
Comment: This sequence change replaces arginine with proline at codon 378 of the HPD protein (p.Arg378Pro). The arginine residue is highly conserved and there is a moderate physicochemical difference between arginine and proline. In summary, the available evidence is currently insufficient to determine the role of this variant in disease. Therefore, it has been classified as a Variant of Uncertain Significance. Algorithms developed to predict the effect of missense changes on protein structure and function are either unavailable or do not agree on the potential impact of this missense change (SIFT: "Deleterious"; PolyPhen-2: "Probably Damaging"; Align-GVGD: "Class C0"). This variant has not been reported in the literature in individuals with HPD-related conditions. This variant is present in population databases (rs560715209, ExAC 0.01%).

NM_002150.3(HPD):c.1133G>C (p.Arg378Pro)

Genes: HPD (4-hydroxyphenylpyruvate dioxygenase; minus strand), TIALD (transcript inducer of AURKA lysosomal degradation; plus strand). Cytogenetic location: 12q24.31.
Variant type: single nucleotide variant.
Coding change: c.1133G>C on transcript NM_002150.3 (MANE Select); coding-DNA position 1133, G replaced by C.
Protein change: p.Arg378Pro; replaces arginine 378 with proline.
Molecular consequence: missense variant.
Genome position (GRCh38, 1-based): chr12:121,839,777, C>G on the plus strand (G>C on the coding strand, the complement: HPD is on the minus strand). VCF-style: chr12-121839777-C-G. GRCh37 (hg19) VCF-style: chr12-122277683-C-G.
Other names: c.1016G>C, p.Arg339Pro (NM_001171993.2); short protein forms R378P, R339P.
Identifiers: ClinVar variation 1423977 (VCV001423977.8), dbSNP rs560715209, ClinGen allele CA6839410.